The following is an entry in ClinVar:

ClinVar aggregate classification (germline): Pathogenic. Review status: criteria provided, multiple submitters, no conflicts (2 of 4 stars). 3 submissions from 3 submitters: Pathogenic (3). Last evaluated 2021-12-21.

Conditions:
Intellectual developmental disorder with dysmorphic facies and behavioral abnormalities. Identifiers: MedGen C4748135, MONDO:0060760, OMIM 618089.

Submissions (3):

Institute of Human Genetics, University of Leipzig Medical Center
Classification: Pathogenic for Intellectual developmental disorder with dysmorphic facies and behavioral abnormalities. Last evaluated: 2021-12-21. Review status: criteria provided, single submitter. Criteria: ACMG Guidelines, 2015. Collection method: research. Allele origin: de novo. Affected: yes.

GeneDx
Classification: Pathogenic. Last evaluated: 2021-11-09. Review status: criteria provided, single submitter. Criteria: GeneDx Variant Classification Process June 2021. Collection method: clinical testing. Allele origin: germline. Affected: yes.
Comment: Nonsense variant in the C-terminus predicted to result in protein truncation, as the last 32 amino acids are lost, and other loss-of-function variants have been reported downstream in the Human Gene Mutation Database (Stenson et al., 2014); Not observed in large population cohorts (Lek et al., 2016); This variant is associated with the following publications: (PMID: 30679813)

Undiagnosed Diseases Network, NIH
Classification: Pathogenic for Intellectual developmental disorder with dysmorphic facies and behavioral abnormalities. Last evaluated: 2019-05-21. Review status: criteria provided, single submitter. Criteria: ACMG Guidelines, 2015. Collection method: clinical testing. Allele origin: de novo. Inheritance: Autosomal dominant inheritance. Affected: yes. Observed: 1 variant allele, 1 heterozygote.

Literature cited by the submitters: PubMed 30679813 (cited by Institute of Human Genetics, University of Leipzig Medical Center).

NM_001190274.2(FBXO11):c.2685_2686del (p.Leu895_Ser896insTer)

Genes: FBXO11 (F-box protein 11; minus strand), MSH6 (mutS homolog 6; plus strand). Cytogenetic location: 2p16.3.
Variant type: Deletion.
Coding change: c.2685_2686del on transcript NM_001190274.2 (MANE Select); coding-DNA positions 2685 to 2686, 2 bases deleted (GT; older notation c.2685_2686delGT).
Protein change: p.Leu895_Ser896insTer.
Molecular consequence: frameshift variant.
Genome position (GRCh38, 1-based): chr2:47,808,216-47,808,217, AC deleted on the plus strand (GT on the coding strand, the reverse complement: FBXO11 is on the minus strand); deleting any 2 consecutive bases within chr2:47,808,216-47,808,218 gives the same sequence; the c. name uses the placement nearest the transcript's 3' end. VCF-style (leftmost placement, unchanged base first): chr2-47808215-GAC-G. GRCh37 (hg19) VCF-style: chr2-48035354-GAC-G.
Other names: c.2433_2434del, p.Leu811_Ser812insTer (NM_001374325.1, NM_025133.4); c.2685_2686delGT (NM_001190274.1).
Identifiers: ClinVar variation 804255 (VCV000804255.6), dbSNP rs1572753822, ClinGen allele CA915943997.